The following is an entry in ClinVar:

ClinVar aggregate classification (germline): Uncertain significance (1 of 4 stars; one submission).

Submission:

Ambry Genetics
Classification: Uncertain significance. Last evaluated: 2026-09-11. Review status: criteria provided, single submitter. Criteria: Ambry Variant Classification Scheme 2023. Collection method: clinical testing. Allele origin: germline.
Comment: The c.911_919delGCATATATG variant (also known as p.G304_Y306del) is located in coding exon 1 of the MLH3 gene. This variant results from an in-frame GCATATATG deletion at nucleotide positions 911 to 919. This results in the in-frame deletion of three amino acids at codons 304 to 306. This amino acid region is well conserved in available vertebrate species. In addition, this variant is predicted to be deleterious by in silico analysis (Choi Y et al. PLoS ONE. 2012; 7(10):e46688). Based on the available evidence, the clinical significance of this variant remains unclear.

NM_001040108.2(MLH3):c.911_919del (p.Gly304_Tyr306del)

Gene: MLH3 (mutL homolog 3; minus strand). Cytogenetic location: 14q24.3.
Variant type: Deletion.
Coding change: c.911_919del on transcript NM_001040108.2 (MANE Select); coding-DNA positions 911 to 919, 9 bases deleted (GCATATATG; older notation c.911_919delGCATATATG).
Protein change: p.Gly304_Tyr306del.
Molecular consequence: inframe indel (on NM_001040108.1).
Genome position (GRCh38, 1-based): chr14:75,048,737-75,048,745, CATATATGC deleted on the plus strand (GCATATATG on the coding strand, the reverse complement: MLH3 is on the minus strand); deleting any 9 consecutive bases within chr14:75,048,737-75,048,749 gives the same sequence; the c. name uses the placement nearest the transcript's 3' end. VCF-style (leftmost placement, unchanged base first): chr14-75048736-ACATATATGC-A. GRCh37 (hg19) VCF-style: chr14-75515439-ACATATATGC-A.
Other names: c.911_919delGCATATATG (NM_001040108.1); c.911_919del, p.Gly304_Tyr306del (NM_014381.3).
Identifiers: ClinVar variation 5024652 (VCV005024652.1).